The following is an entry in ClinVar:

ClinVar aggregate classification (germline): Pathogenic/Likely pathogenic. Review status: criteria provided, multiple submitters, no conflicts (2 of 4 stars). 6 submissions from 6 submitters: Pathogenic (4); Likely pathogenic (1). 1 of the submissions does not count toward it. Last evaluated 2026-01-15.

Conditions:
Retinal dystrophy. Also called: Inherited retinal dystrophy. Identifiers: Orphanet 71862, MedGen C0854723, MeSH D058499, MONDO:0019118, HP:0000556.
RP1-related disorder. Also called: RP1-related condition.
Cone-rod dystrophy. Also called: Cone-rod degeneration; Cone/cone-rod dystrophy. Identifiers: Orphanet 1872, MedGen C4085590, MONDO:0015993, HP:0000548.

Allele frequency attached by ClinVar (database versions not stated): gnomAD exomes below 0.00001; TOPMed below 0.00001.
gnomAD v4.1: 6 of 1,613,572 alleles (0.00037%); highest among the groups gnomAD compares: Non-Finnish European, 0.00051%; no homozygotes.

Submissions (6):

Labcorp Genetics (formerly Invitae), Labcorp
Classification: Pathogenic. Last evaluated: 2026-01-15. Review status: criteria provided, single submitter. Criteria: Invitae Variant Classification Sherloc (09022015). Collection method: clinical testing. Allele origin: germline.
Comment: This sequence change creates a premature translational stop signal (p.Lys792*) in the RP1 gene. While this is not anticipated to result in nonsense mediated decay, it is expected to disrupt the last 1365 amino acid(s) of the RP1 protein. This variant is present in population databases (no rsID available, gnomAD 0.007%). This premature translational stop signal has been observed in individuals with clinical features of autosomal dominant retinitis pigmentosa (PMID: 31054281; internal data). ClinVar contains an entry for this variant (Variation ID: 853663). This variant disrupts the C-terminus of the RP1 protein. Many variants that disrupt this region have been reported in individuals with either autosomal dominant or autosomal recessive retinitis pigmentosa (PMID: 11527933, 19933189, 29425069, 30027431, 33681214). Therefore, variants that disrupt this region are expected to be disease-causing. For these reasons, this variant has been classified as Pathogenic.

Blueprint Genetics
Classification: Pathogenic for RP1-related disorders. Last evaluated: 2022-08-12. Review status: criteria provided, single submitter. Criteria: ACMG Guidelines, 2015. Collection method: clinical testing. Allele origin: germline. Affected: yes. Observed: 5 variant alleles.

Institute of Human Genetics, Univ. Regensburg, Univ. Regensburg
Classification: Likely pathogenic for Retinal dystrophy. Last evaluated: 2022-01-01. Review status: criteria provided, single submitter. Criteria: ACMG Guidelines, 2015. Collection method: clinical testing. Allele origin: germline. Affected: yes.

Institute of Medical Genetics and Applied Genomics, University Hospital Tübingen
Classification: Pathogenic. Last evaluated: 2020-10-23. Review status: criteria provided, single submitter. Criteria: ACMG Guidelines, 2015. Collection method: clinical testing. Allele origin: germline. Inheritance: Autosomal unknown. Affected: yes.

Cambridge Genomics Laboratory, East Genomic Laboratory Hub, NHS Genomic Medicine Service
Classification: Pathogenic for Cone-rod dystrophy. Last evaluated: 2020-03-14. Review status: criteria provided, single submitter. Criteria: ACGS Best Practice Guidelines for Variant Classification in Rare Disease 2020. Collection method: clinical testing. Allele origin: germline. Affected: yes. Observed: 1 variant allele.

PreventionGenetics, part of Exact Sciences
Classification: Pathogenic for RP1-related condition. Last evaluated: 2024-09-10. Review status: no assertion criteria provided. Collection method: clinical testing. Allele origin: germline. Not counted in ClinVar's aggregate classification.
Comment: The RP1 c.2374A>T variant is predicted to result in premature protein termination (p.Lys792*). This variant has previously been reported in patients with retinitis pigmentosa (RP; supplementary data, Gao et al. 2019. PubMed ID: 31054281; supplementary data, Weisschuh et al. 2024. PubMed ID: 37734845). Of note, other protein-truncating variants in this region have been documented to cause autosomal dominant retinitis pigmentosa (Pan et al. 2014. PubMed ID: 24940031; Dietrich et al. 2002. PubMed ID: 11864893). More rarely, pathogenic variants in RP1 may cause autosomal recessive disease (Chen et al. 2010. PubMed ID: 19933189). This variant is reported in 0.0065% of alleles in individuals of European (Non-Finnish) descent in gnomAD. Nonsense variants in RP1 are expected to be pathogenic. This variant is interpreted as pathogenic.

Literature cited by the submitters: PubMed 31054281 (cited by Labcorp Genetics (formerly Invitae), Labcorp and Institute of Human Genetics, Univ. Regensburg, Univ. Regensburg); PubMed 11527933 (cited by Labcorp Genetics (formerly Invitae), Labcorp); PubMed 19933189 (cited by Labcorp Genetics (formerly Invitae), Labcorp); PubMed 29425069 (cited by Labcorp Genetics (formerly Invitae), Labcorp); PubMed 30027431 (cited by Labcorp Genetics (formerly Invitae), Labcorp); PubMed 33681214 (cited by Labcorp Genetics (formerly Invitae), Labcorp); PubMed 3196484 (cited by Institute of Human Genetics, Univ. Regensburg, Univ. Regensburg).

NM_006269.2(RP1):c.2374A>T (p.Lys792Ter)

Gene: RP1 (RP1 axonemal microtubule associated; plus strand). Cytogenetic location: 8q12.1.
Variant type: single nucleotide variant.
Coding change: c.2374A>T on transcript NM_006269.2 (MANE Select); coding-DNA position 2374, A replaced by T.
Protein change: p.Lys792Ter; replaces lysine 792 with a stop codon.
Molecular consequence: nonsense. On other transcripts: intron variant (1).
Genome position (GRCh38, 1-based): chr8:54,626,256, A>T. VCF-style: chr8-54626256-A-T. GRCh37 (hg19) VCF-style: chr8-55538816-A-T.
Other names: c.787+3968A>T (NM_001375654.1); short protein forms K792*.
Identifiers: ClinVar variation 853663 (VCV000853663.15), dbSNP rs1365908727, ClinGen allele CA370993612.
Genomic context (GRCh38, chr8:54,626,256, plus strand): 5'-GGACTTTTAACCAAAAGAAAATCTAGATCACTAAATAAAATAAGCTTAGGAGCACCTAAA[A>T]AAAGAGAAATCGGTCAAAGAGATAAAGTGTTTCCTCACAATGAATCTAAATATTGCAAAA-3'